The following is an entry in ClinVar:

ClinVar aggregate classification (germline): Uncertain significance. Review status: criteria provided, multiple submitters, no conflicts (2 of 4 stars). 3 submissions from 3 submitters: Uncertain significance (3). Last evaluated 2025-09-01.

Conditions:
Inborn genetic diseases. Identifiers: MedGen C0950123, MeSH D030342.
Anophthalmia/microphthalmia-esophageal atresia syndrome (MCOPS3). Also called: MICROPHTHALMIA AND ESOPHAGEAL ATRESIA SYNDROME; SOX2 Disorder; AEG SYNDROME. Identifiers: Orphanet 77298, MedGen C1859773, MONDO:0008799, OMIM 206900.

Allele frequency attached by ClinVar (database versions not stated): gnomAD exomes below 0.00001; TOPMed 0.00001.

Submissions (3):

Labcorp Genetics (formerly Invitae), Labcorp
Classification: Uncertain significance for Anophthalmia/microphthalmia-esophageal atresia syndrome. Last evaluated: 2025-09-01. Review status: criteria provided, single submitter. Criteria: Invitae Variant Classification Sherloc (09022015). Collection method: clinical testing. Allele origin: germline.
Comment: This sequence change replaces alanine, which is neutral and non-polar, with valine, which is neutral and non-polar, at codon 267 of the SOX2 protein (p.Ala267Val). This variant is not present in population databases (gnomAD no frequency). This variant has not been reported in the literature in individuals affected with SOX2-related conditions. ClinVar contains an entry for this variant (Variation ID: 449219). Invitae Evidence Modeling of protein sequence and biophysical properties (such as structural, functional, and spatial information, amino acid conservation, physicochemical variation, residue mobility, and thermodynamic stability) indicates that this missense variant is not expected to disrupt SOX2 protein function with a negative predictive value of 95%. In summary, the available evidence is currently insufficient to determine the role of this variant in disease. Therefore, it has been classified as a Variant of Uncertain Significance.

Ambry Genetics
Classification: Uncertain significance for Inborn genetic diseases. Last evaluated: 2025-07-16. Review status: criteria provided, single submitter. Criteria: Ambry Variant Classification Scheme 2023. Collection method: clinical testing. Allele origin: germline.

GeneDx
Classification: Uncertain significance. Last evaluated: 2017-09-26. Review status: criteria provided, single submitter. Criteria: GeneDx Variant Classification (06012015). Collection method: clinical testing. Allele origin: germline. Affected: yes.
Comment: The A267V variant has not been published as a pathogenic variant, nor has it been reported as a benign variant to our knowledge. It is not observed in large population cohorts (Lek et al., 2016). The A267V variant is a conservative amino acid substitution that occurs at a position that is conserved in mammals. In silico analysis is inconsistent in its predictions as to whether or not the variant is damaging to the protein structure/function. Therefore, based on the currently available information, it is unclear whether this variant is a pathogenic variant or a rare benign variant.

NM_003106.4(SOX2):c.800C>T (p.Ala267Val)

Genes: SOX2-OT (SOX2 overlapping transcript; plus strand), SOX2 (SRY-box transcription factor 2; plus strand). Cytogenetic location: 3q26.33.
Variant type: single nucleotide variant.
Coding change: c.800C>T on transcript NM_003106.4 (MANE Select); coding-DNA position 800, C replaced by T.
Protein change: p.Ala267Val; replaces alanine 267 with valine.
Molecular consequence: missense variant.
Genome position (GRCh38, 1-based): chr3:181,713,160, C>T. VCF-style: chr3-181713160-C-T. GRCh37 (hg19) VCF-style: chr3-181430948-C-T.
Other names: short protein forms A267V.
Identifiers: ClinVar variation 449219 (VCV000449219.4), dbSNP rs1399564699, ClinGen allele CA355474680.